The following is an entry in ClinVar:

ClinVar aggregate classification (germline): Uncertain significance (1 of 4 stars; one submission).

Conditions:
Spastic paraplegia. Identifiers: MedGen C0037772, HP:0001258.

Allele frequency attached by ClinVar (database versions not stated): gnomAD exomes below 0.00001.
gnomAD v4.1: 2 of 1,614,170 alleles (0.00012%); highest among the groups gnomAD compares: Admixed American, 0.0017%; no homozygotes.

Submission:

Labcorp Genetics (formerly Invitae), Labcorp
Classification: Uncertain significance for Spastic paraplegia. Last evaluated: 2021-11-26. Review status: criteria provided, single submitter. Criteria: Invitae Variant Classification Sherloc (09022015). Collection method: clinical testing. Allele origin: germline.
Comment: This sequence change replaces leucine, which is neutral and non-polar, with phenylalanine, which is neutral and non-polar, at codon 574 of the ZFYVE26 protein (p.Leu574Phe). This variant is present in population databases (no rsID available, gnomAD 0.003%). This variant has not been reported in the literature in individuals affected with ZFYVE26-related conditions. Algorithms developed to predict the effect of missense changes on protein structure and function are either unavailable or do not agree on the potential impact of this missense change (SIFT: "Deleterious"; PolyPhen-2: "Probably Damaging"; Align-GVGD: "Class C0"). In summary, the available evidence is currently insufficient to determine the role of this variant in disease. Therefore, it has been classified as a Variant of Uncertain Significance.

NM_015346.4(ZFYVE26):c.1720C>T (p.Leu574Phe)

Gene: ZFYVE26 (zinc finger FYVE-type containing 26; minus strand). Cytogenetic location: 14q24.1.
Variant type: single nucleotide variant.
Coding change: c.1720C>T on transcript NM_015346.4 (MANE Select); coding-DNA position 1720, C replaced by T.
Protein change: p.Leu574Phe; replaces leucine 574 with phenylalanine.
Molecular consequence: missense variant.
Genome position (GRCh38, 1-based): chr14:67,798,542, G>A on the plus strand (C>T on the coding strand, the complement: ZFYVE26 is on the minus strand). VCF-style: chr14-67798542-G-A. GRCh37 (hg19) VCF-style: chr14-68265259-G-A.
Other names: short protein forms L574F.
Identifiers: ClinVar variation 1349430 (VCV001349430.6), dbSNP rs1381271651, ClinGen allele CA390176013.